The following is an entry in ClinVar:

NM_000138.5(FBN1):c.4127A>G (p.Gln1376Arg)

Gene: FBN1 (fibrillin 1; minus strand). Cytogenetic location: 15q21.1.
Variant type: single nucleotide variant.
Coding change: c.4127A>G on transcript NM_000138.5 (MANE Select); coding-DNA position 4127, A replaced by G.
Protein change: p.Gln1376Arg; replaces glutamine 1376 with arginine.
Molecular consequence: missense variant.
Genome position (GRCh38, 1-based): chr15:48,474,338, T>C on the plus strand (A>G on the coding strand, the complement: FBN1 is on the minus strand). VCF-style: chr15-48474338-T-C. GRCh37 (hg19) VCF-style: chr15-48766535-T-C.
Other names: short protein forms Q1376R.
Identifiers: ClinVar variation 647282 (VCV000647282.6), dbSNP rs1597553861, ClinGen allele CA392320294.

ClinVar aggregate classification (germline): Uncertain significance. Review status: criteria provided, multiple submitters, no conflicts (2 of 4 stars). 4 submissions from 4 submitters: Uncertain significance (4). Last evaluated 2026-03-03.

Conditions:
Familial thoracic aortic aneurysm and aortic dissection (TAAD). Also called: Thoracic aortic aneurysms and dissections. Identifiers: Orphanet 91387, MedGen C4707243, MONDO:0019625.
Marfan syndrome (MFS). Also called: FBN1-Related Marfan Syndrome; Marfan syndrome type 1; Marfan's syndrome; Marfan syndrome, classic; MARFAN SYNDROME, TYPE I. Identifiers: Orphanet 284963, Orphanet 558, MedGen C0024796, MONDO:0007947, OMIM 154700.

Submissions (4):

Women's Health and Genetics/Laboratory Corporation of America, LabCorp
Classification: Uncertain significance. Last evaluated: 2026-03-03. Review status: criteria provided, single submitter. Criteria: LabCorp Variant Classification Summary - May 2015. Collection method: clinical testing. Allele origin: germline.
Comment: Variant summary: FBN1 c.4127A>G (p.Gln1376Arg) results in a conservative amino acid change in the encoded protein sequence. Algorithms developed to predict the effect of missense changes on protein structure and function are either unavailable or do not agree on the potential impact of this missense change. The variant was absent in 251306 control chromosomes. The available data on variant occurrences in the general population are insufficient to allow any conclusion about variant significance. c.4127A>G has been observed in at least one individual suspected to be affected with Marfan syndrome (example: Hernandiz_2021). This report does not provide unequivocal conclusions about association of the variant with FBN1-related disorders. To our knowledge, no experimental evidence demonstrating an impact on protein function has been reported. The following publication has been ascertained in the context of this evaluation (PMID: 33174221). ClinVar contains an entry for this variant (Variation ID: 647282). Based on the evidence outlined above, the variant was classified as uncertain significance.

Color Diagnostics, LLC DBA Color Health
Classification: Uncertain significance for Familial thoracic aortic aneurysm and aortic dissection. Last evaluated: 2024-10-21. Review status: criteria provided, single submitter. Criteria: ACMG Guidelines, 2015. Collection method: clinical testing. Allele origin: germline.
Comment: This missense variant replaces glutamine with arginine at codon 1376 of the FBN1 protein. Computational prediction suggests that this variant may not impact protein structure and function. To our knowledge, functional studies have not been reported for this variant. This variant has been reported in an individual suspected to be affected with Marfan syndrome (PMID: 33174221). This variant has not been identified in the general population by the Genome Aggregation Database (gnomAD). The available evidence is insufficient to determine the role of this variant in disease conclusively. Therefore, this variant is classified as a Variant of Uncertain Significance.

All of Us Research Program, National Institutes of Health
Classification: Uncertain significance for Marfan syndrome. Last evaluated: 2024-09-23. Review status: criteria provided, single submitter. Criteria: ACMG Guidelines, 2015. Collection method: clinical testing. Allele origin: germline. Inheritance: Autosomal dominant inheritance. Observed: 1 variant allele, 1 heterozygote.
Comment: This missense variant replaces glutamine with arginine at codon 1376 of the FBN1 protein. Computational prediction suggests that this variant may not impact protein structure and function (internally defined REVEL score threshold <= 0.5, PMID: 27666373). To our knowledge, functional studies have not been reported for this variant. This variant has been reported in an individual with suspected Marfan syndrome (PMID: 33174221). This variant has not been identified in the general population by the Genome Aggregation Database (gnomAD). The available evidence is insufficient to determine the role of this variant in disease conclusively. Therefore, this variant is classified as a Variant of Uncertain Significance.

This study involves interpretation of variants in research participants for the purpose of population health screening. Participant phenotype was not available at the time of variant classification. Additional details can be found in publication PMID: 35346344, PMCID: PMC8962531

Labcorp Genetics (formerly Invitae), Labcorp
Classification: Uncertain significance for Marfan syndrome; Familial thoracic aortic aneurysm and aortic dissection. Last evaluated: 2018-10-24. Review status: criteria provided, single submitter. Criteria: Invitae Variant Classification Sherloc (09022015). Collection method: clinical testing. Allele origin: germline.
Comment: This sequence change replaces glutamine with arginine at codon 1376 of the FBN1 protein (p.Gln1376Arg). The glutamine residue is moderately conserved and there is a small physicochemical difference between glutamine and arginine. This variant is not present in population databases (ExAC no frequency). This variant has not been reported in the literature in individuals with FBN1-related disease. Algorithms developed to predict the effect of missense changes on protein structure and function (SIFT, PolyPhen-2, Align-GVGD) all suggest that this variant is likely to be tolerated, but these predictions have not been confirmed by published functional studies and their clinical significance is uncertain. In summary, the available evidence is currently insufficient to determine the role of this variant in disease. Therefore, it has been classified as a Variant of Uncertain Significance.

Literature cited by the submitters: PubMed 33174221 (cited by 3 submitters).